The following is an entry in ClinVar:

ClinVar aggregate classification (germline): Uncertain significance (1 of 4 stars; one submission).

Conditions:
Familial adenomatous polyposis 1 (FAP1). Also called: POLYPOSIS, ADENOMATOUS INTESTINAL; FAMILIAL ADENOMATOUS POLYPOSIS 1, ATTENUATED. Identifiers: MedGen C2713442, MONDO:0021056, OMIM 175100. Disease mechanism: loss of function.

Submission:

Labcorp Genetics (formerly Invitae), Labcorp
Classification: Uncertain significance for Familial adenomatous polyposis 1. Last evaluated: 2022-08-03. Review status: criteria provided, single submitter. Criteria: Invitae Variant Classification Sherloc (09022015). Collection method: clinical testing. Allele origin: germline.
Comment: This sequence change replaces threonine, which is neutral and polar, with serine, which is neutral and polar, at codon 628 of the APC protein (p.Thr628Ser). In summary, the available evidence is currently insufficient to determine the role of this variant in disease. Therefore, it has been classified as a Variant of Uncertain Significance. Algorithms developed to predict the effect of missense changes on protein structure and function (SIFT, PolyPhen-2, Align-GVGD) all suggest that this variant is likely to be tolerated. This variant has not been reported in the literature in individuals affected with APC-related conditions. This variant is not present in population databases (gnomAD no frequency).

NM_000038.6(APC):c.1883C>G (p.Thr628Ser)

Gene: APC (APC regulator of Wnt signaling pathway; plus strand). Cytogenetic location: 5q22.2.
Variant type: single nucleotide variant.
Coding change: c.1883C>G on transcript NM_000038.6 (MANE Select); coding-DNA position 1883, C replaced by G.
Protein change: p.Thr628Ser; replaces threonine 628 with serine.
Molecular consequence: missense variant.
Genome position (GRCh38, 1-based): chr5:112,835,090, C>G. VCF-style: chr5-112835090-C-G. GRCh37 (hg19) VCF-style: chr5-112170787-C-G.
Other names: c.1883C>G, p.Thr628Ser (NM_001127510.3, NM_001354895.2, NM_001407450.1); c.1829C>G, p.Thr610Ser (NM_001127511.3); c.1937C>G, p.Thr646Ser (NM_001354896.2, NM_001407447.1, NM_001407448.1 and 1 more transcripts); c.1913C>G, p.Thr638Ser (NM_001354897.2); c.1808C>G, p.Thr603Ser (NM_001354898.2); c.1799C>G, p.Thr600Ser (NM_001354899.2); c.1760C>G, p.Thr587Ser (NM_001354900.2); c.1706C>G, p.Thr569Ser (NM_001354901.2, NM_001407453.1); and 11 more; short protein forms T244S, T345S, T468S, T499S, T502S, T527S, T537S, T545S.
Identifiers: ClinVar variation 1714967 (VCV001714967.6), dbSNP rs760384475, ClinGen allele CA16025438.
Genomic context (GRCh38, chr5:112,835,090, plus strand): 5'-CTGTAGATGGTGCACTTGCATTTTTGGTTGGCACTCTTACTTACCGGAGCCAGACAAACA[C>G]TTTAGCCATTATTGAAAGTGGAGGTGGGATATTACGGAATGTGTCCAGCTTGATAGCTAC-3'
Protein context (NP_000029.2, residues 618-638): GTLTYRSQTN[Thr628Ser]LAIIESGGGI